The following is an entry in ClinVar:

ClinVar aggregate classification (germline): Uncertain significance. Review status: criteria provided, multiple submitters, no conflicts (2 of 4 stars). 6 submissions from 5 submitters: Uncertain significance (5). 1 of the submissions does not count toward it. Last evaluated 2025-11-03.

Conditions:
Neu-Laxova syndrome 1 (NLS1). Identifiers: Orphanet 2671, Orphanet 583607, MedGen C4551478, MONDO:0009736, OMIM 256520. Disease mechanism: loss of function.
Inborn genetic diseases. Identifiers: MedGen C0950123, MeSH D030342.
PHGDH deficiency. Identifiers: Orphanet 79351, MedGen C1866174, MONDO:0011152, OMIM 601815.

Allele frequency attached by ClinVar (database versions not stated): ExAC 0.00001; gnomAD exomes 0.00001 and 0.00003; TOPMed 0.00005.
gnomAD v4.1: 48 of 1,613,976 alleles (0.003%); highest among the groups gnomAD compares: Non-Finnish European, 0.004%; no homozygotes.

Submissions (6):

Ambry Genetics
Classification: Uncertain significance for Inborn genetic diseases. Last evaluated: 2025-11-03. Review status: criteria provided, single submitter. Criteria: Ambry Variant Classification Scheme 2023. Collection method: clinical testing. Allele origin: germline.

Genome-Nilou Lab
Classification: Uncertain significance for Neu-Laxova syndrome 1. Last evaluated: 2023-04-11. Review status: criteria provided, single submitter. Criteria: ACMG Guidelines, 2015. Collection method: clinical testing. Allele origin: germline. Affected: no.

Genome-Nilou Lab
Classification: Uncertain significance for PHGDH deficiency. Last evaluated: 2023-04-11. Review status: criteria provided, single submitter. Criteria: ACMG Guidelines, 2015. Collection method: clinical testing. Allele origin: germline. Affected: no.

Labcorp Genetics (formerly Invitae), Labcorp
Classification: Uncertain significance for PHGDH deficiency. Last evaluated: 2022-07-26. Review status: criteria provided, single submitter. Criteria: Invitae Variant Classification Sherloc (09022015). Collection method: clinical testing. Allele origin: germline.
Comment: This sequence change replaces glutamine, which is neutral and polar, with proline, which is neutral and non-polar, at codon 189 of the PHGDH protein (p.Gln189Pro). This variant is present in population databases (rs750124525, gnomAD 0.002%). This variant has not been reported in the literature in individuals affected with PHGDH-related conditions. ClinVar contains an entry for this variant (Variation ID: 968090). Algorithms developed to predict the effect of missense changes on protein structure and function are either unavailable or do not agree on the potential impact of this missense change (SIFT: "Deleterious"; PolyPhen-2: "Possibly Damaging"; Align-GVGD: "Class C0"). In summary, the available evidence is currently insufficient to determine the role of this variant in disease. Therefore, it has been classified as a Variant of Uncertain Significance.

GeneDx
Classification: Uncertain significance. Last evaluated: 2022-05-24. Review status: criteria provided, single submitter. Criteria: GeneDx Variant Classification Process June 2021. Collection method: clinical testing. Allele origin: germline. Affected: yes.
Comment: Has not been previously published as pathogenic or benign to our knowledge; Not observed at significant frequency in large population cohorts (gnomAD); In silico analysis supports that this missense variant has a deleterious effect on protein structure/function

Natera, Inc.
Classification: Uncertain significance for Phosphoglycerate dehydrogenase deficiency. Last evaluated: 2020-01-17. Review status: no assertion criteria provided. Collection method: clinical testing. Allele origin: germline. Not counted in ClinVar's aggregate classification.

NM_006623.4(PHGDH):c.566A>C (p.Gln189Pro)

Gene: PHGDH (phosphoglycerate dehydrogenase; plus strand). Cytogenetic location: 1p12.
Variant type: single nucleotide variant.
Coding change: c.566A>C on transcript NM_006623.4 (MANE Select); coding-DNA position 566, A replaced by C.
Protein change: p.Gln189Pro; replaces glutamine 189 with proline.
Molecular consequence: missense variant.
Genome position (GRCh38, 1-based): chr1:119,734,689, A>C. VCF-style: chr1-119734689-A-C. GRCh37 (hg19) VCF-style: chr1-120277312-A-C.
Other names: short protein forms Q189P.
Identifiers: ClinVar variation 968090 (VCV000968090.9), dbSNP rs750124525, ClinGen allele CA1037146.